The following is an entry in ClinVar:

ClinVar aggregate classification (germline): Uncertain significance (1 of 4 stars; one submission).

Allele frequency attached by ClinVar (database versions not stated): ExAC 0.00001; TOPMed 0.00002; gnomAD 0.00004.
gnomAD v4.1: 29 of 1,614,014 alleles (0.0018%); highest among the groups gnomAD compares: Non-Finnish European, 0.0023%; no homozygotes.

Submission:

Labcorp Genetics (formerly Invitae), Labcorp
Classification: Uncertain significance. Last evaluated: 2024-08-15. Review status: criteria provided, single submitter. Criteria: Invitae Variant Classification Sherloc (09022015). Collection method: clinical testing. Allele origin: germline.
Comment: This sequence change replaces methionine, which is neutral and non-polar, with threonine, which is neutral and polar, at codon 95 of the OR2W3 protein (p.Met95Thr). This variant is present in population databases (rs756006680, gnomAD 0.002%). This variant has not been reported in the literature in individuals affected with OR2W3-related conditions. ClinVar contains an entry for this variant (Variation ID: 1910772). An algorithm developed to predict the effect of missense changes on protein structure and function outputs the following: PolyPhen-2: "Benign". The threonine amino acid residue is found in multiple mammalian species, which suggests that this missense change does not adversely affect protein function. In summary, the available evidence is currently insufficient to determine the role of this variant in disease. Therefore, it has been classified as a Variant of Uncertain Significance.

NM_001001957.2(OR2W3):c.284T>C (p.Met95Thr)

Gene: OR2W3 (olfactory receptor family 2 subfamily W member 3; plus strand). Cytogenetic location: 1q44.
Variant type: single nucleotide variant.
Coding change: c.284T>C on transcript NM_001001957.2 (MANE Select); coding-DNA position 284, T replaced by C.
Protein change: p.Met95Thr; replaces methionine 95 with threonine.
Molecular consequence: missense variant.
Genome position (GRCh38, 1-based): chr1:247,895,870, T>C. VCF-style: chr1-247895870-T-C. GRCh37 (hg19) VCF-style: chr1-248059172-T-C.
Other names: short protein forms M95T.
Identifiers: ClinVar variation 1910772 (VCV001910772.5), dbSNP rs756006680, ClinGen allele CA1498560.